The following is an entry in ClinVar:

NM_001244008.2(KIF1A):c.365T>C (p.Leu122Pro)

Gene: KIF1A (kinesin family member 1A; minus strand). Cytogenetic location: 2q37.3.
Variant type: single nucleotide variant.
Coding change: c.365T>C on transcript NM_001244008.2 (MANE Select); coding-DNA position 365, T replaced by C.
Protein change: p.Leu122Pro; replaces leucine 122 with proline.
Molecular consequence: missense variant.
Genome position (GRCh38, 1-based): chr2:240,787,315, A>G on the plus strand (T>C on the coding strand, the complement: KIF1A is on the minus strand). VCF-style: chr2-240787315-A-G. GRCh37 (hg19) VCF-style: chr2-241726732-A-G.
Other names: c.365T>C, p.Leu122Pro (NM_001320705.2, NM_001330289.2, NM_001330290.2 and 21 more transcripts); short protein forms L122P.
Identifiers: ClinVar variation 2943781 (VCV002943781.3), dbSNP rs2538415092, ClinGen allele CA351309687.

ClinVar aggregate classification (germline): Uncertain significance (1 of 4 stars; one submission).

Conditions:
Neuropathy, hereditary sensory, type 2C. Also called: KIF1A-Related HSAN2 (HSAN2C); Hereditary sensory and autonomic neuropathy type IIC. Identifiers: Orphanet 970, MedGen C3280168, MONDO:0013634, OMIM 614213.
Hereditary spastic paraplegia 30. Identifiers: Orphanet 101010, MedGen C5235139, MONDO:0012476.
Intellectual disability, autosomal dominant 9 (NESCAVS). Also called: NESCAV SYNDROME; KIF1A-Related Neurodevelopmental Disorder. Identifiers: Orphanet 662367, MedGen C5393830, MONDO:0013656, OMIM 614255.

Submission:

Labcorp Genetics (formerly Invitae), Labcorp
Classification: Uncertain significance for Hereditary spastic paraplegia 30; Neuropathy, hereditary sensory, type 2C; Intellectual disability, autosomal dominant 9. Last evaluated: 2023-01-31. Review status: criteria provided, single submitter. Criteria: Invitae Variant Classification Sherloc (09022015). Collection method: clinical testing. Allele origin: germline.
Comment: In summary, the available evidence is currently insufficient to determine the role of this variant in disease. Therefore, it has been classified as a Variant of Uncertain Significance. Algorithms developed to predict the effect of missense changes on protein structure and function (SIFT, PolyPhen-2, Align-GVGD) all suggest that this variant is likely to be disruptive. This variant has not been reported in the literature in individuals affected with KIF1A-related conditions. This variant is not present in population databases (gnomAD no frequency). This sequence change replaces leucine, which is neutral and non-polar, with proline, which is neutral and non-polar, at codon 122 of the KIF1A protein (p.Leu122Pro).